The following is an entry in ClinVar:

ClinVar aggregate classification (germline): Uncertain significance (1 of 4 stars; one submission).

gnomAD v4.1: 1 of 1,614,236 alleles (0.000062%); no homozygotes.

Submission:

CeGaT Center for Human Genetics Tuebingen
Classification: Uncertain significance. Last evaluated: 2022-11-01. Review status: criteria provided, single submitter. Criteria: CeGaT Center For Human Genetics Tuebingen Variant Classification Criteria Version 2. Collection method: clinical testing. Allele origin: germline. Affected: yes. Observed: 1 variant allele.
Comment: MYH7: PM2, PP2, PP3

NM_000257.4(MYH7):c.5239G>A (p.Glu1747Lys)

Genes: MYH7 (myosin heavy chain 7; minus strand), LOC126861897 (BRD4-independent group 4 enhancer GRCh37_chr14:23884455-23885654; plus strand). Cytogenetic location: 14q11.2.
Variant type: single nucleotide variant.
Coding change: c.5239G>A on transcript NM_000257.4 (MANE Select); coding-DNA position 5239, G replaced by A.
Protein change: p.Glu1747Lys; replaces glutamic acid 1747 with lysine.
Molecular consequence: missense variant.
Genome position (GRCh38, 1-based): chr14:23,415,425, C>T on the plus strand (G>A on the coding strand, the complement: MYH7 is on the minus strand). VCF-style: chr14-23415425-C-T. GRCh37 (hg19) VCF-style: chr14-23884634-C-T.
Other names: c.5239G>A, p.Glu1747Lys (NM_001407004.1); short protein forms E1747K.
Identifiers: ClinVar variation 1879269 (VCV001879269.29), dbSNP rs2502240874, ClinGen allele CA389036222.
Genomic context (GRCh38, chr14:23,415,425, plus strand): 5'-GGAGTGGGGGACTTACATCCGTGATGGCCTTCTTGGCCTTCTCCTCAGCATTCCTGCACT[C>T]CTGCACTGCCTCCTCCACTTCAGTCTGGAGCTGGGACAGGTCAGCATCCATCTTCTTCTT-3'
Protein context (NP_000248.2, residues 1737-1757): LQTEVEEAVQ[Glu1747Lys]CRNAEEKAKK